The following is an entry in ClinVar:

NM_000182.5(HADHA):c.966_967del (p.Cys322_Glu323delinsTer)

Gene: HADHA (hydroxyacyl-CoA dehydrogenase trifunctional multienzyme complex subunit alpha; minus strand). Cytogenetic location: 2p23.3.
Variant type: Microsatellite.
Coding change: c.966_967del on transcript NM_000182.5 (MANE Select); coding-DNA positions 966 to 967, 2 bases deleted (TG; older notation c.966_967delTG).
Protein change: p.Cys322_Glu323delinsTer.
Molecular consequence: nonsense.
Genome position (GRCh38, 1-based): chr2:26,212,578-26,212,579, CA deleted on the plus strand (TG on the coding strand, the reverse complement: HADHA is on the minus strand); deleting any 2 consecutive bases within chr2:26,212,578-26,212,581 gives the same sequence; the c. name uses the placement nearest the transcript's 3' end. VCF-style (leftmost placement, unchanged base first): chr2-26212577-TCA-T. GRCh37 (hg19) VCF-style: chr2-26435446-TCA-T.
Identifiers: ClinVar variation 1420102 (VCV001420102.7), dbSNP rs2147768516, ClinGen allele CA2576696875.
Genomic context (GRCh38, chr2:26,212,577, plus strand): 5'-ATCTTTAGTTTTCCTTTAACTGATAATAAAACATTGAAAGGAAATAAGTTTACCTGAGAT[TCA>T]CAGAGATAACCGGCATCACTCCCTTGCTCAATTCCAGTCTTTACCACCTAAAAAACATAT-3'

ClinVar aggregate classification (germline): Pathogenic/Likely pathogenic. Review status: criteria provided, multiple submitters, no conflicts (2 of 4 stars). 2 submissions from 2 submitters: Pathogenic (1); Likely pathogenic (1). Last evaluated 2022-03-31.

Conditions:
Mitochondrial trifunctional protein deficiency. Identifiers: Orphanet 746, MedGen C1969443, MONDO:0012172.
Long chain 3-hydroxyacyl-CoA dehydrogenase deficiency. Also called: Deficiency of long-chain 3-hydroxyacyl-coenzyme A dehydrogenase; LCHAD Deficiency. Identifiers: Orphanet 5, MedGen C3711645, MONDO:0012173, OMIM 609016.

Submissions (2):

Fulgent Genetics
Classification: Likely pathogenic for Mitochondrial trifunctional protein deficiency 1; Long chain 3-hydroxyacyl-CoA dehydrogenase deficiency. Last evaluated: 2022-03-31. Review status: criteria provided, single submitter. Criteria: ACMG Guidelines, 2015. Collection method: clinical testing. Allele origin: unknown.

Labcorp Genetics (formerly Invitae), Labcorp
Classification: Pathogenic for Mitochondrial trifunctional protein deficiency; Long chain 3-hydroxyacyl-CoA dehydrogenase deficiency. Last evaluated: 2022-02-21. Review status: criteria provided, single submitter. Criteria: Invitae Variant Classification Sherloc (09022015). Collection method: clinical testing. Allele origin: germline.
Comment: This sequence change creates a premature translational stop signal (p.Cys322*) in the HADHA gene. It is expected to result in an absent or disrupted protein product. Loss-of-function variants in HADHA are known to be pathogenic (PMID: 7738175, 21103935, 21549624, 22459206). This variant is not present in population databases (gnomAD no frequency). For these reasons, this variant has been classified as Pathogenic. This variant has not been reported in the literature in individuals affected with HADHA-related conditions.

Literature cited by the submitters: PubMed 7738175 (cited by Labcorp Genetics (formerly Invitae), Labcorp); PubMed 21103935 (cited by Labcorp Genetics (formerly Invitae), Labcorp); PubMed 21549624 (cited by Labcorp Genetics (formerly Invitae), Labcorp); PubMed 22459206 (cited by Labcorp Genetics (formerly Invitae), Labcorp).